The following is an entry in ClinVar:

ClinVar aggregate classification (germline): Likely benign. Review status: criteria provided, multiple submitters, no conflicts (2 of 4 stars). 2 submissions from 2 submitters: Likely benign (2). Last evaluated 2018-02-22.

Allele frequency attached by ClinVar (database versions not stated): gnomAD exomes 0.00001; ExAC 0.00002; TOPMed 0.00004; gnomAD 0.00005; ESP Exome Variant Server 0.00008; 1000 Genomes Project 30x 0.00016; 1000 Genomes Project 0.00020.
gnomAD v4.1: 22 of 1,611,988 alleles (0.0014%); highest among the groups gnomAD compares: African/African-American, 0.008%; no homozygotes.

Submissions (2):

GeneDx
Classification: Likely benign. Last evaluated: 2018-02-22. Review status: criteria provided, single submitter. Criteria: GeneDx Variant Classification (06012015). Collection method: clinical testing. Allele origin: germline. Affected: yes.
Comment: This variant is considered likely benign or benign based on one or more of the following criteria: it is a conservative change, it occurs at a poorly conserved position in the protein, it is predicted to be benign by multiple in silico algorithms, and/or has population frequency not consistent with disease.

Breakthrough Genomics
Classification: Likely benign. Review status: criteria provided, single submitter. Criteria: ACMG Guidelines, 2015. Collection method: not provided. Allele origin: germline. Inheritance: Autosomal dominant inheritance. Affected: yes.

NM_018341.3(ERMARD):c.364A>G (p.Ile122Val)

Gene: ERMARD (ER membrane associated RNA degradation; plus strand). Cytogenetic location: 6q27.
Variant type: single nucleotide variant.
Coding change: c.364A>G on transcript NM_018341.3 (MANE Select); coding-DNA position 364, A replaced by G.
Protein change: p.Ile122Val; replaces isoleucine 122 with valine.
Molecular consequence: missense variant. On other transcripts: 5 prime UTR variant (1).
Genome position (GRCh38, 1-based): chr6:169,756,386, A>G. VCF-style: chr6-169756386-A-G. GRCh37 (hg19) VCF-style: chr6-170156482-A-G.
Other names: c.364A>G, p.Ile122Val (NM_001278531.2, NM_001278533.2); c.-15A>G (NM_001278532.2); short protein forms I122V.
Identifiers: ClinVar variation 515406 (VCV000515406.2), dbSNP rs374781539, ClinGen allele CA4105819.
Genomic context (GRCh38, chr6:169,756,386, plus strand): 5'-TATTGTAAATAGTTATTTCCTGAAATATTTGATGCCTTGGAAAGTCTACAATCTCCTGCT[A>G]TTTCTCTTAGCTTAATGAAACTGACATCGTGTCTAGAACGAGCCTTGGGTGATGTAAGTG-3'
Protein context (NP_060811.1, residues 112-132): DALESLQSPA[Ile122Val]SLSLMKLTSC